The following is an entry in ClinVar:

ClinVar aggregate classification (germline): Uncertain significance (1 of 4 stars; one submission).

Submission:

Labcorp Genetics (formerly Invitae), Labcorp
Classification: Uncertain significance. Last evaluated: 2025-06-12. Review status: criteria provided, single submitter. Criteria: Invitae Variant Classification Sherloc (09022015). Collection method: clinical testing. Allele origin: germline.
Comment: This sequence change replaces methionine, which is neutral and non-polar, with isoleucine, which is neutral and non-polar, at codon 1483 of the DLC1 protein (p.Met1483Ile). This variant is not present in population databases (gnomAD no frequency). This variant has not been reported in the literature in individuals affected with DLC1-related conditions. ClinVar contains an entry for this variant (Variation ID: 2783280). An algorithm developed to predict the effect of missense changes on protein structure and function (PolyPhen-2) suggests that this variant is likely to be tolerated. In summary, the available evidence is currently insufficient to determine the role of this variant in disease. Therefore, it has been classified as a Variant of Uncertain Significance.

NM_182643.3(DLC1):c.4449G>T (p.Met1483Ile)

Gene: DLC1 (DLC1 Rho GTPase activating protein; minus strand). Cytogenetic location: 8p22.
Variant type: single nucleotide variant.
Coding change: c.4449G>T on transcript NM_182643.3 (MANE Select); coding-DNA position 4449, G replaced by T.
Protein change: p.Met1483Ile; replaces methionine 1483 with isoleucine.
Molecular consequence: missense variant. On other transcripts: intron variant (1).
Genome position (GRCh38, 1-based): chr8:13,086,307, C>A on the plus strand (G>T on the coding strand, the complement: DLC1 is on the minus strand). VCF-style: chr8-13086307-C-A. GRCh37 (hg19) VCF-style: chr8-12943816-C-A.
Other names: c.2916G>T, p.Met972Ile (NM_001164271.2, NM_001348082.2, NM_001348083.1 and 6 more transcripts); c.3240G>T, p.Met1080Ile (NM_001316668.2); c.4449G>T, p.Met1483Ile (NM_001348081.2, NM_001413124.1); c.3021G>T, p.Met1007Ile (NM_001413129.1); c.3231G>T, p.Met1077Ile (NM_001413130.1); c.2889G>T, p.Met963Ile (NM_001413131.1, NM_001413137.1); c.3375G>T, p.Met1125Ile (NM_001413132.1); c.3138G>T, p.Met1046Ile (NM_001413135.1, NM_006094.5); and 3 more; short protein forms M1046I, M1077I, M1125I, M1483I, M973I, M972I, M1091I, M963I.
Identifiers: ClinVar variation 2783280 (VCV002783280.3), dbSNP rs2536924994, ClinGen allele CA370338278.